The following is an entry in ClinVar:

NM_001354483.2(CSGALNACT1):c.317T>C (p.Leu106Pro)

Gene: CSGALNACT1 (chondroitin sulfate N-acetylgalactosaminyltransferase 1; minus strand). Cytogenetic location: 8p21.3.
Variant type: single nucleotide variant.
Coding change: c.317T>C on transcript NM_001354483.2 (MANE Select); coding-DNA position 317, T replaced by C.
Protein change: p.Leu106Pro; replaces leucine 106 with proline.
Molecular consequence: missense variant. On other transcripts: non-coding transcript variant (7).
Genome position (GRCh38, 1-based): chr8:19,505,518, A>G on the plus strand (T>C on the coding strand, the complement: CSGALNACT1 is on the minus strand). VCF-style: chr8-19505518-A-G. GRCh37 (hg19) VCF-style: chr8-19363029-A-G.
Other names: c.317T>C, p.Leu106Pro (NM_001130518.2, NM_001354475.2, NM_001354476.2 and 18 more transcripts); short protein forms L106P.
Identifiers: ClinVar variation 770943 (VCV000770943.32), dbSNP rs34799877, ClinGen allele CA4654286.

ClinVar aggregate classification (germline): Benign. Review status: criteria provided, multiple submitters, no conflicts (2 of 4 stars). 3 submissions from 3 submitters: Benign (3). Last evaluated 2026-07-01.

Allele frequency attached by ClinVar (database versions not stated): 1000 Genomes Project 30x 0.00344; 1000 Genomes Project 0.00359; TOPMed 0.00753; ESP Exome Variant Server 0.00838; gnomAD 0.00852 and 0.00879; gnomAD exomes 0.00877 and 0.01031; ExAC 0.00927.

Submissions (3):

CeGaT Center for Human Genetics Tuebingen
Classification: Benign. Last evaluated: 2026-07-01. Review status: criteria provided, single submitter. Criteria: CeGaT Center For Human Genetics Tuebingen Variant Classification Criteria Version 2. Collection method: clinical testing. Allele origin: germline. Affected: yes. Observed: 14 variant alleles.
Comment: CSGALNACT1: BP4, BS1, BS2

Labcorp Genetics (formerly Invitae), Labcorp
Classification: Benign. Last evaluated: 2026-02-01. Review status: criteria provided, single submitter. Criteria: Invitae Variant Classification Sherloc (09022015). Collection method: clinical testing. Allele origin: germline.

Breakthrough Genomics
Classification: Benign. Review status: criteria provided, single submitter. Criteria: ACMG Guidelines, 2015. Collection method: not provided. Allele origin: germline. Inheritance: Autosomal recessive inheritance. Affected: yes.